The following is an entry in ClinVar:

NM_015922.3(NSDHL):c.235C>G (p.Arg79Gly)

Gene: NSDHL (NAD(P) dependent 3-beta-hydroxysteroid dehydrogenase NSDHL; plus strand). Cytogenetic location: Xq28.
Variant type: single nucleotide variant.
Coding change: c.235C>G on transcript NM_015922.3 (MANE Select); coding-DNA position 235, C replaced by G.
Protein change: p.Arg79Gly; replaces arginine 79 with glycine.
Molecular consequence: missense variant.
Genome position (GRCh38, 1-based): chrX:152,850,391, C>G. VCF-style: chrX-152850391-C-G. GRCh37 (hg19) VCF-style: chrX-152018935-C-G.
Other names: c.235C>G, p.Arg79Gly (NM_001129765.2); short protein forms R79G.
Identifiers: ClinVar variation 2074040 (VCV002074040.4), dbSNP rs1933338041, ClinGen allele CA415284456.

ClinVar aggregate classification (germline): Uncertain significance (1 of 4 stars; one submission).

Submission:

Labcorp Genetics (formerly Invitae), Labcorp
Classification: Uncertain significance. Last evaluated: 2025-05-27. Review status: criteria provided, single submitter. Criteria: Invitae Variant Classification Sherloc (09022015). Collection method: clinical testing. Allele origin: germline.
Comment: This sequence change replaces arginine, which is basic and polar, with glycine, which is neutral and non-polar, at codon 79 of the NSDHL protein (p.Arg79Gly). This variant is not present in population databases (gnomAD no frequency). This variant has not been reported in the literature in individuals affected with NSDHL-related conditions. ClinVar contains an entry for this variant (Variation ID: 2074040). An algorithm developed to predict the effect of missense changes on protein structure and function (PolyPhen-2) suggests that this variant is likely to be tolerated. In summary, the available evidence is currently insufficient to determine the role of this variant in disease. Therefore, it has been classified as a Variant of Uncertain Significance.